The following is an entry in ClinVar:

NM_001267550.2(TTN):c.60837_60840delinsAA (p.Val20280fs)

Genes: TTN (titin; minus strand), TTN-AS1 (TTN antisense RNA 1; plus strand). Cytogenetic location: 2q31.2.
Variant type: Indel.
Coding change: c.60837_60840delinsAA on transcript NM_001267550.2 (MANE Select); coding-DNA positions 60837 to 60840, GGTT replaced by AA.
Protein change: p.Val20280fs; shifts the reading frame from valine 20280.
Molecular consequence: frameshift variant.
Genome position (GRCh38, 1-based): chr2:178,590,885-178,590,888, AACC replaced by TT on the plus strand (GGTT replaced by AA on the coding strand, the reverse complement: TTN is on the minus strand). VCF-style: chr2-178590885-AACC-TT. GRCh37 (hg19) VCF-style: chr2-179455612-AACC-TT.
Other names: c.55914_55917delinsAA, p.Val18639fs (NM_001256850.1); c.33642_33645delinsAA, p.Val11215fs (NM_003319.4); c.53133_53136delinsAA, p.Val17712fs (NM_133378.4); c.34017_34020delinsAA, p.Val11340fs (NM_133432.3); c.34218_34221delinsAA, p.Val11407fs (NM_133437.4); c.33642_33645delGGTTinsAA (NM_003319.4); short protein forms V11340fs, V11215fs, V11407fs, V18639fs, V20280fs, V17712fs.
Identifiers: ClinVar variation 2586577 (VCV002586577.2), dbSNP rs2469454918, ClinGen allele CA2582342030.

ClinVar aggregate classification (germline): Likely pathogenic (1 of 4 stars; one submission).

Conditions:
Cardiovascular phenotype. Identifiers: MedGen CN230736.

Submission:

Ambry Genetics
Classification: Likely pathogenic for Cardiovascular phenotype. Last evaluated: 2023-09-07. Review status: criteria provided, single submitter. Criteria: Ambry Variant Classification Scheme 2023. Collection method: clinical testing. Allele origin: germline.
Comment: The c.33642_33645delGGTTinsAA variant, located in coding exon 131 of the TTN gene, results from the deletion of 4 nucleotides and insertion of two nucleotides causing a translational frameshift with a predicted alternate stop codon (p.V11215Nfs*2). This exon is located in the A-band region of the N2-B isoform of the titin protein and is constitutively expressed in TTN transcripts (percent spliced in or PSI 100%). This variant is considered to be rare based on population cohorts in the Genome Aggregation Database (gnomAD). This alteration is expected to result in loss of function by premature protein truncation or nonsense-mediated mRNA decay. While truncating variants in TTN are present in 1-3% of the general population, truncating variants in the A-band are the most common cause of dilated cardiomyopathy (DCM) (Herman DS et al. N. Engl. J. Med., 2012 Feb;366:619-28; Roberts AM et al. Sci Transl Med, 2015 Jan;7:270ra6). TTN truncating variants encoded in constitutive exons (PSI >90%) have been found to be significantly associated with DCM regardless of their position in titin (Schafer S et al. Nat. Genet., 2017 01;49:46-53). Based on the majority of available evidence to date, this variant is likely to be pathogenic.